The following is an entry in ClinVar:

NM_001080512.3(BICC1):c.1568C>T (p.Ala523Val)

Gene: BICC1 (BicC family RNA binding protein 1; plus strand). Cytogenetic location: 10q21.1.
Variant type: single nucleotide variant.
Coding change: c.1568C>T on transcript NM_001080512.3 (MANE Select); coding-DNA position 1568, C replaced by T.
Protein change: p.Ala523Val; replaces alanine 523 with valine.
Molecular consequence: missense variant.
Genome position (GRCh38, 1-based): chr10:58,799,095, C>T. VCF-style: chr10-58799095-C-T. GRCh37 (hg19) VCF-style: chr10-60558855-C-T.
Other names: short protein forms A523V.
Identifiers: ClinVar variation 2391718 (VCV002391718.3), dbSNP rs751553595, ClinGen allele CA5508535.

ClinVar aggregate classification (germline): Uncertain significance. Review status: criteria provided, multiple submitters, no conflicts (2 of 4 stars). 2 submissions from 2 submitters: Uncertain significance (2). Last evaluated 2026-01-21.

Allele frequency attached by ClinVar (database versions not stated): gnomAD 0.00001; gnomAD exomes 0.00001; TOPMed 0.00003; ExAC 0.00005.
gnomAD v4.1: 17 of 1,613,236 alleles (0.0011%); highest among the groups gnomAD compares: Admixed American, 0.028%; no homozygotes.

Submissions (2):

Labcorp Genetics (formerly Invitae), Labcorp
Classification: Uncertain significance. Last evaluated: 2026-01-21. Review status: criteria provided, single submitter. Criteria: Invitae Variant Classification Sherloc (09022015). Collection method: clinical testing. Allele origin: germline.
Comment: This sequence change replaces alanine, which is neutral and non-polar, with valine, which is neutral and non-polar, at codon 523 of the BICC1 protein (p.Ala523Val). This variant is present in population databases (rs751553595, gnomAD 0.04%). This variant has not been reported in the literature in individuals affected with BICC1-related conditions. ClinVar contains an entry for this variant (Variation ID: 2391718). An algorithm developed to predict the effect of missense changes on protein structure and function (PolyPhen-2) suggests that this variant is likely to be disruptive. In summary, the available evidence is currently insufficient to determine the role of this variant in disease. Therefore, it has been classified as a Variant of Uncertain Significance.

Ambry Genetics
Classification: Uncertain significance. Last evaluated: 2022-05-06. Review status: criteria provided, single submitter. Criteria: Ambry Variant Classification Scheme 2023. Collection method: clinical testing. Allele origin: germline.